The following is an entry in ClinVar:

ClinVar aggregate classification (somatic clinical impact): Tier I - Strong. Review status: criteria provided, single submitter (1 of 4 stars). 2 submissions from 1 submitter. Last evaluated 2025-05-16.

Conditions:
Medulloblastoma non-WNT/non-SHH. Identifiers: MedGen C4330667, MONDO:0850198.
Medulloblastoma WNT activated. Identifiers: MedGen C4331965, MONDO:0850196.

Submissions (2):

Institute for Genomic Medicine (IGM) Clinical Laboratory, Nationwide Children's Hospital
Classification: Tier I - Strong for Medulloblastoma non-WNT/non-SHH. Assertion type: diagnostic. Clinical significance: supports diagnosis. Last evaluated: 2025-05-16. Review status: criteria provided, single submitter. Criteria: AMP/ASCO/CAP Guidelines, 2017. Collection method: clinical testing. Allele origin: somatic. Affected: yes.
Comment: Variant has Tier I (strong) clinical significance as a diagnostic inclusion criterion in medulloblastoma non-WNT/non-SHH, based on the following evidence: 1) Documented in one or more cancer databases (e.g., St. Jude Pecan, COSMIC, CIViC, OncoKB). 2) Appears in one or more well-established professional guidelines (e.g., World Health Organization [WHO]; National Comprehensive Cancer Network [NCCN]) as providing diagnostic, prognostic, or therapeutic information. 3) Information in the literature supports potential biologic effect of variant (PMID: 33144586). 4) Diagnostic for a specific tumor type/classification based on well-powered studies with expert-level consensus (Evidence Level B; PMIDs: 21163964, 28726821, 22820256, 22832583, 22722829, 23432644).

Institute for Genomic Medicine (IGM) Clinical Laboratory, Nationwide Children's Hospital
Classification: Tier I - Strong for Medulloblastoma WNT activated. Assertion type: diagnostic. Clinical significance: supports diagnosis. Last evaluated: 2025-04-11. Review status: criteria provided, single submitter. Criteria: AMP/ASCO/CAP Guidelines, 2017. Collection method: clinical testing. Allele origin: somatic. Affected: yes.
Comment: Variant has Tier I (strong) clinical significance as a diagnostic inclusion criterion in medulloblastoma WNT activated, based on the following evidence: 1) Documented in one or more cancer databases (e.g., St. Jude Pecan, COSMIC, CIViC, OncoKB). 2) Appears in one or more well-established professional guidelines (e.g., World Health Organization [WHO]; National Comprehensive Cancer Network [NCCN]) as providing diagnostic, prognostic, or therapeutic information. 3) Information in the literature supports potential biologic effect of variant (PMID: 33144586). 4) Diagnostic for a specific tumor type/classification based on well-powered studies with expert-level consensus (Evidence Level B; PMIDs: 22820256, 22832583, 23432644, 28726821).

Literature cited by the submitters: PubMed 33144586; PubMed 21163964; PubMed 28726821; PubMed 22820256; PubMed 22832583; PubMed 22722829; PubMed 23432644.

NM_003072.5(SMARCA4):c.3403C>T (p.Arg1135Trp)

Gene: SMARCA4 (SWI/SNF related BAF chromatin remodeling complex subunit ATPase 4; plus strand). Cytogenetic location: 19p13.2.
Variant type: single nucleotide variant.
Coding change: c.3403C>T on transcript NM_003072.5 (MANE Select); coding-DNA position 3403, C replaced by T.
Protein change: p.Arg1135Trp; replaces arginine 1135 with tryptophan.
Molecular consequence: missense variant. On other transcripts: non-coding transcript variant (1).
Genome position (GRCh38, 1-based): chr19:11,030,750, C>T. VCF-style: chr19-11030750-C-T. GRCh37 (hg19) VCF-style: chr19-11141426-C-T.
Other names: c.3403C>T, p.Arg1135Trp (NM_001128844.3, NM_001128845.2, NM_001128846.2 and 6 more transcripts); short protein forms R1135W.
Identifiers: ClinVar variation 4530279 (VCV004530279.1).
Genomic context (GRCh38, chr19:11,030,750, plus strand): 5'-AGGTCACCCCGCTGACCCTGTTCTCCTCTGTGCCCGTCAGGAACCACGAAGGCGGAGGAC[C>T]GGGGCATGCTGCTGAAAACCTTCAACGAGCCCGGCTCTGAGTACTTCATCTTCCTGCTCA-3'
Protein context (NP_003063.2, residues 1125-1145): RLDGTTKAED[Arg1135Trp]GMLLKTFNEP